The following is an entry in ClinVar:

NM_022356.4(P3H1):c.1367G>A (p.Gly456Asp)

Gene: P3H1 (prolyl 3-hydroxylase 1; minus strand). Cytogenetic location: 1p34.2.
Variant type: single nucleotide variant.
Coding change: c.1367G>A on transcript NM_022356.4 (MANE Select); coding-DNA position 1367, G replaced by A.
Protein change: p.Gly456Asp; replaces glycine 456 with aspartic acid.
Molecular consequence: missense variant.
Genome position (GRCh38, 1-based): chr1:42,752,643, C>T on the plus strand (G>A on the coding strand, the complement: P3H1 is on the minus strand). VCF-style: chr1-42752643-C-T. GRCh37 (hg19) VCF-style: chr1-43218314-C-T.
Other names: c.1367G>A, p.Gly456Asp (NM_001146289.2, NM_001243246.2); short protein forms G456D.
Identifiers: ClinVar variation 949406 (VCV000949406.7), dbSNP rs781335485, ClinGen allele CA801866.

ClinVar aggregate classification (germline): Uncertain significance (1 of 4 stars; one submission).

Conditions:
Osteogenesis imperfecta type 8 (OI8). Identifiers: MedGen C1970458, MONDO:0012581, OMIM 610915.

Allele frequency attached by ClinVar (database versions not stated): gnomAD 0.00001 and 0.00003; TOPMed 0.00005; gnomAD exomes 0.00014; ExAC 0.00015.
gnomAD v4.1: 125 of 1,614,044 alleles (0.0077%); highest among the groups gnomAD compares: South Asian, 0.088%; 1 homozygote.

Submission:

Labcorp Genetics (formerly Invitae), Labcorp
Classification: Uncertain significance for Osteogenesis imperfecta type 8. Last evaluated: 2022-08-21. Review status: criteria provided, single submitter. Criteria: Invitae Variant Classification Sherloc (09022015). Collection method: clinical testing. Allele origin: germline.
Comment: This sequence change replaces glycine, which is neutral and non-polar, with aspartic acid, which is acidic and polar, at codon 456 of the P3H1 protein (p.Gly456Asp). This variant is present in population databases (rs781335485, gnomAD 0.06%). This variant has not been reported in the literature in individuals affected with P3H1-related conditions. ClinVar contains an entry for this variant (Variation ID: 949406). Algorithms developed to predict the effect of missense changes on protein structure and function (SIFT, PolyPhen-2, Align-GVGD) all suggest that this variant is likely to be tolerated. In summary, the available evidence is currently insufficient to determine the role of this variant in disease. Therefore, it has been classified as a Variant of Uncertain Significance.